The following is an entry in ClinVar:

ClinVar aggregate classification (germline): Uncertain significance (0 of 4 stars; one submission).

Conditions:
CRYBA2-related disorder. Also called: CRYBA2-related condition.

Submission:

PreventionGenetics, part of Exact Sciences
Classification: Uncertain significance for CRYBA2-related condition. Last evaluated: 2024-07-10. Review status: no assertion criteria provided. Collection method: clinical testing. Allele origin: germline.
Comment: The CRYBA2 c.81T>A variant is predicted to result in premature protein termination (p.Cys27*). To our knowledge, this variant has not been reported in the literature or in a large population database, indicating this variant is rare. At this time, the clinical significance of this variant is uncertain due to the absence of conclusive functional and genetic evidence.

NM_057093.2(CRYBA2):c.81T>A (p.Cys27Ter)

Gene: CRYBA2 (crystallin beta A2; minus strand). Cytogenetic location: 2q35.
Variant type: single nucleotide variant.
Coding change: c.81T>A on transcript NM_057093.2 (MANE Select); coding-DNA position 81, T replaced by A.
Protein change: p.Cys27Ter; replaces cysteine 27 with a stop codon.
Molecular consequence: nonsense.
Genome position (GRCh38, 1-based): chr2:218,993,096, A>T on the plus strand (T>A on the coding strand, the complement: CRYBA2 is on the minus strand). VCF-style: chr2-218993096-A-T. GRCh37 (hg19) VCF-style: chr2-219857818-A-T.
Other names: c.81T>A, p.Cys27Ter (NM_057094.2); short protein forms C27*.
Identifiers: ClinVar variation 3346634 (VCV003346634.1).